The following is an entry in ClinVar:

ClinVar aggregate classification (germline): Pathogenic/Likely pathogenic. Review status: criteria provided, multiple submitters, no conflicts (2 of 4 stars). 3 submissions from 3 submitters: Pathogenic (1); Likely pathogenic (2). Last evaluated 2022-03-15.

Conditions:
Neurofibromatosis, type 1 (NF1). Also called: Peripheral type neurofibromatosis; Neurofibromatosis, type I; NEUROFIBROMATOSIS, TYPE I, SOMATIC; VON RECKLINGHAUSEN DISEASE. Identifiers: Orphanet 636, MedGen C0027831, MONDO:0018975, OMIM 162200. Disease mechanism: loss of function.

Submissions (3):

Genome-Nilou Lab
Classification: Likely pathogenic for Neurofibromatosis, type 1. Last evaluated: 2022-03-15. Review status: criteria provided, single submitter. Criteria: ACMG Guidelines, 2015. Collection method: clinical testing. Allele origin: germline. Affected: no.

Labcorp Genetics (formerly Invitae), Labcorp
Classification: Likely pathogenic for Neurofibromatosis, type 1. Last evaluated: 2021-04-08. Review status: criteria provided, single submitter. Criteria: Invitae Variant Classification Sherloc (09022015). Collection method: clinical testing. Allele origin: germline.
Comment: In summary, the currently available evidence indicates that the variant is pathogenic, but additional data are needed to prove that conclusively. Therefore, this variant has been classified as Likely Pathogenic. Studies have shown that this variant is associated with retention of 8 nucleotides of intron 32, which introduces a premature termination codon (PMID:32126153). The resulting mRNA is expected to undergo nonsense-mediated decay. This variant has been observed in individual(s) with Neurofibromatosis type 1 (Invitae). ClinVar contains an entry for this variant (Variation ID: 816763). This variant is not present in population databases (ExAC no frequency). This sequence change falls in intron 32 of the NF1 gene. It does not directly change the encoded amino acid sequence of the NF1 protein. RNA analysis indicates that this variant induces altered splicing and may result in an absent or disrupted protein product.

UAB Medical Genomics Laboratory, UAB Medicine
Classification: Pathogenic for Neurofibromatosis, type 1. Last evaluated: 2020-01-20. Review status: criteria provided, single submitter. Criteria: ACMG Guidelines, 2015. Collection method: clinical testing. Allele origin: germline. Affected: yes.

Literature cited by the submitters: PubMed 32126153 (cited by Labcorp Genetics (formerly Invitae), Labcorp and UAB Medical Genomics Laboratory, UAB Medicine).

NM_001042492.3(NF1):c.4431-9T>G

Gene: NF1 (neurofibromin 1; plus strand). Cytogenetic location: 17q11.2.
Variant type: single nucleotide variant.
Coding change: c.4431-9T>G on transcript NM_001042492.3 (MANE Select); 9 bases into the intron before coding-DNA position 4431, T replaced by G.
Molecular consequence: intron variant.
Genome position (GRCh38, 1-based): chr17:31,260,360, T>G. VCF-style: chr17-31260360-T-G. GRCh37 (hg19) VCF-style: chr17-29587378-T-G.
Other names: c.4368-9T>G (NM_000267.4).
Identifiers: ClinVar variation 816763 (VCV000816763.9), dbSNP rs1597746884, ClinGen allele CA915949651.